The following is an entry in ClinVar:

NM_004958.4(MTOR):c.5246+5G>C

Gene: MTOR (mechanistic target of rapamycin kinase; minus strand). Cytogenetic location: 1p36.22.
Variant type: single nucleotide variant.
Coding change: c.5246+5G>C on transcript NM_004958.4 (MANE Select); 5 bases into the intron after coding-DNA position 5246, G replaced by C.
Molecular consequence: intron variant.
Genome position (GRCh38, 1-based): chr1:11,134,346, C>G on the plus strand (G>C on the coding strand, the complement: MTOR is on the minus strand). VCF-style: chr1-11134346-C-G. GRCh37 (hg19) VCF-style: chr1-11194403-C-G.
Other names: c.3998+5G>C (NM_001386501.1); c.5246+5G>C (NM_001386500.1).
Identifiers: ClinVar variation 1878840 (VCV001878840.1), dbSNP rs2100451611, ClinGen allele CA2580061063.

ClinVar aggregate classification (germline): Uncertain significance (1 of 4 stars; one submission).

Submission:

GeneDx
Classification: Uncertain significance. Last evaluated: 2022-07-13. Review status: criteria provided, single submitter. Criteria: GeneDx Variant Classification Process June 2021. Collection method: clinical testing. Allele origin: germline. Affected: yes.
Comment: Not observed at significant frequency in large population cohorts (gnomAD); In silico analysis supports a deleterious effect on splicing; Has not been previously published as pathogenic or benign to our knowledge